The following is an entry in ClinVar:

ClinVar aggregate classification (germline): Pathogenic (1 of 4 stars; one submission).

Submission:

Labcorp Genetics (formerly Invitae), Labcorp
Classification: Pathogenic. Last evaluated: 2023-05-10. Review status: criteria provided, single submitter. Criteria: Invitae Variant Classification Sherloc (09022015). Collection method: clinical testing. Allele origin: germline.
Comment: For these reasons, this variant has been classified as Pathogenic. This variant has not been reported in the literature in individuals affected with LPL-related conditions. This variant is not present in population databases (gnomAD no frequency). This sequence change creates a premature translational stop signal (p.Ala50Leufs*11) in the LPL gene. It is expected to result in an absent or disrupted protein product. Loss-of-function variants in LPL are known to be pathogenic (PMID: 11334614).

Literature cited by the submitters: PubMed 11334614.

NM_000237.3(LPL):c.147del (p.Ala50fs)

Gene: LPL (lipoprotein lipase; plus strand). Cytogenetic location: 8p21.3.
Variant type: Deletion.
Coding change: c.147del on transcript NM_000237.3 (MANE Select); coding-DNA position 147, one base deleted (A; older notation c.147delA).
Protein change: p.Ala50fs; shifts the reading frame from alanine 50.
Molecular consequence: frameshift variant.
Genome position (GRCh38, 1-based): chr8:19,948,238, A deleted. VCF-style (leftmost placement, unchanged base first): chr8-19948237-CA-C. GRCh37 (hg19) VCF-style: chr8-19805748-CA-C.
Other names: short protein forms A50fs.
Identifiers: ClinVar variation 2863224 (VCV002863224.3), dbSNP rs2540099833, ClinGen allele CA2739279730.